The following is an entry in ClinVar:

ClinVar aggregate classification (germline): Uncertain significance (1 of 4 stars; one submission).

Submission:

GeneDx
Classification: Uncertain significance. Last evaluated: 2024-05-22. Review status: criteria provided, single submitter. Criteria: GeneDx Variant Classification Process June 2021. Collection method: clinical testing. Allele origin: germline. Affected: yes.
Comment: Not observed at significant frequency in large population cohorts (gnomAD); In silico analysis supports that this missense variant has a deleterious effect on protein structure/function; Has not been previously published as pathogenic or benign to our knowledge

NM_032634.4(PIGO):c.2738C>T (p.Pro913Leu)

Gene: PIGO (phosphatidylinositol glycan anchor biosynthesis class O; minus strand). Cytogenetic location: 9p13.3.
Variant type: single nucleotide variant.
Coding change: c.2738C>T on transcript NM_032634.4 (MANE Select); coding-DNA position 2738, C replaced by T.
Protein change: p.Pro913Leu; replaces proline 913 with leucine.
Molecular consequence: missense variant.
Genome position (GRCh38, 1-based): chr9:35,090,582, G>A on the plus strand (C>T on the coding strand, the complement: PIGO is on the minus strand). VCF-style: chr9-35090582-G-A. GRCh37 (hg19) VCF-style: chr9-35090579-G-A.
Other names: c.1487C>T, p.Pro496Leu (NM_001201484.2, NM_152850.4); short protein forms P496L, P913L.
Identifiers: ClinVar variation 3381281 (VCV003381281.1).
Genomic context (GRCh38, chr9:35,090,582, plus strand): 5'-CAAGTACAGGAGCCATGACCCTCTGGGAATCCCACGAAGGCTGCATGCCAATGGATGGCT[G>A]GAAAGACAGGCTGGTGGCCTGTGGAGTAGAAGGTCTGTGTGGCCATGAGGGCCCAAGCCG-3'
Protein context (NP_116023.2, residues 903-923): FYSTGHQPVF[Pro913Leu]AIHWHAAFVG